The following is an entry in ClinVar:

ClinVar aggregate classification (germline): Pathogenic/Likely pathogenic. Review status: criteria provided, multiple submitters, no conflicts (2 of 4 stars). 5 submissions from 5 submitters: Pathogenic (3); Likely pathogenic (1). 1 of the submissions does not count toward it. Last evaluated 2024-10-16.

Conditions:
GM1 gangliosidosis type 3. Also called: GANGLIOSIDOSIS, GENERALIZED GM1, ADULT TYPE; GANGLIOSIDOSIS, GENERALIZED GM1, CHRONIC TYPE; GANGLIOSIDOSIS, GENERALIZED GM1, TYPE III; Beta-galactosidase deficiency; Adult GM1 gangliosidosis; Type 3 (adult) GM1 gangliosidosis. Identifiers: Orphanet 79257, MedGen C0268273, MONDO:0009262, OMIM 230650.
Mucopolysaccharidosis, MPS-IV-B (MPS4B). Also called: Mucopolysaccharidosis Type IVB (Morquio B Disease); Mucopolysaccharidosis type 4B; Mucopolysaccharidosis type IVB (Morquio); MPS IVB; Mucopolysaccharidosis type IV B; MORQUIO SYNDROME B. Identifiers: Orphanet 309310, Orphanet 582, MedGen C0086652, MONDO:0009660, OMIM 253010.
GM1 gangliosidosis type 2. Also called: GANGLIOSIDOSIS, GENERALIZED GM1, JUVENILE TYPE; GANGLIOSIDOSIS, GENERALIZED GM1, TYPE II; Juvenile GM>1< gangliosidosis; Gangliosidosis, Generalized GM1, Type 2; GM1-GANGLIOSIDOSIS, TYPE II. Identifiers: Orphanet 354, Orphanet 79256, MedGen C0268272, MONDO:0009261, OMIM 230600.
Infantile GM1 gangliosidosis. Also called: GM1-gangliosidosis, type I; Gangliosidosis, generalized GM1, infantile form; GLB1 deficiency; GM1 gangliosidosis type 1; Gangliosidosis, Generalized GM1, Type 1. Identifiers: Orphanet 354, Orphanet 79255, MedGen C0268271, MONDO:0009260, OMIM 230500.
GM1 gangliosidosis. Identifiers: Orphanet 354, MedGen C0085131, MONDO:0018149.

Allele frequency attached by ClinVar (database versions not stated): ExAC 0.00002; TOPMed below 0.00001; gnomAD exomes 0.00001 and below 0.00001.
gnomAD v4.1: 4 of 1,614,006 alleles (0.00025%); highest among the groups gnomAD compares: Admixed American, 0.005%; no homozygotes.

Submissions (5):

Labcorp Genetics (formerly Invitae), Labcorp
Classification: Pathogenic for Mucopolysaccharidosis, MPS-IV-B; GM1 gangliosidosis. Last evaluated: 2024-10-16. Review status: criteria provided, single submitter. Criteria: Invitae Variant Classification Sherloc (09022015). Collection method: clinical testing. Allele origin: germline.
Comment: This sequence change affects an acceptor splice site in intron 3 of the GLB1 gene. It is expected to disrupt RNA splicing. Variants that disrupt the donor or acceptor splice site typically lead to a loss of protein function (PMID: 16199547), and loss-of-function variants in GLB1 are known to be pathogenic (PMID: 18524657). This variant is present in population databases (rs398123353, gnomAD 0.006%). Disruption of this splice site has been observed in individual(s) with GM1-gangliosidosis (PMID: 25936995). ClinVar contains an entry for this variant (Variation ID: 92906). Algorithms developed to predict the effect of sequence changes on RNA splicing suggest that this variant may disrupt the consensus splice site. For these reasons, this variant has been classified as Pathogenic.

Natera, Inc.
Classification: Likely pathogenic for Mucopolysaccharidosis, MPS-IV-B. Last evaluated: 2024-05-10. Review status: criteria provided, single submitter. Criteria: Natera Variant Classification Schema (03/2026). Collection method: clinical testing. Allele origin: germline.
Comment: The c.397-1G>A variant in GLB1 is a canonical splice acceptor site variant predicted to affect pre-mRNA splicing, which may result in an abnormal transcript and altered protein product. This variant is expected to result in nonsense mediated decay, truncation, or a dysfunctional protein product. This variant is rare in the general population with a frequency below the threshold expected for the associated phenotype(s). Given the available evidence, this variant is classified as Likely Pathogenic.

GeneDx
Classification: Pathogenic. Last evaluated: 2021-12-20. Review status: criteria provided, single submitter. Criteria: GeneDx Variant Classification Process June 2021. Collection method: clinical testing. Allele origin: germline. Affected: yes.
Comment: Canonical splice site variant predicted to result in a null allele in a gene for which loss-of-function is a known mechanism of disease; Not observed at significant frequency in large population cohorts (Lek et al., 2016); Has not been previously published as pathogenic or benign to our knowledge

Eurofins Ntd Llc (ga)
Classification: Pathogenic. Last evaluated: 2012-11-01. Review status: criteria provided, single submitter. Criteria: EGL Classification Definitions. Collection method: clinical testing. Allele origin: germline. Observed: 1 variant allele, 1 homozygote.

Counsyl
Classification: Likely pathogenic for Infantile GM1 gangliosidosis; GM1 gangliosidosis type 2; GM1 gangliosidosis type 3; Mucopolysaccharidosis, MPS-IV-B. Last evaluated: 2017-06-13. Review status: no assertion criteria provided. Collection method: clinical testing. Allele origin: unknown. Not counted in ClinVar's aggregate classification.

Literature cited by the submitters: PubMed 16199547 (cited by Labcorp Genetics (formerly Invitae), Labcorp); PubMed 18524657 (cited by Labcorp Genetics (formerly Invitae), Labcorp); PubMed 25936995 (cited by Labcorp Genetics (formerly Invitae), Labcorp).

NM_000404.4(GLB1):c.397-1G>A

Gene: GLB1 (galactosidase beta 1; minus strand). Cytogenetic location: 3p22.3.
Variant type: single nucleotide variant.
Coding change: c.397-1G>A on transcript NM_000404.4 (MANE Select); the canonical splice acceptor site of the intron before coding-DNA position 397, G replaced by A.
Molecular consequence: splice acceptor variant. On other transcripts: intron variant (1).
Genome position (GRCh38, 1-based): chr3:33,068,291, C>T on the plus strand (G>A on the coding strand, the complement: GLB1 is on the minus strand). VCF-style: chr3-33068291-C-T. GRCh37 (hg19) VCF-style: chr3-33109783-C-T.
Other names: c.246-2734G>A (NM_001135602.3); c.541-1G>A (NM_001317040.2); c.307-1G>A (NM_001079811.3); c.397-1G>A (NM_001393580.1, NM_000404.3).
Identifiers: ClinVar variation 92906 (VCV000092906.18), dbSNP rs398123353, ClinGen allele CA202709.